The following is an entry in ClinVar:

NM_000214.3(JAG1):c.578G>T (p.Gly193Val)

Gene: JAG1 (jagged canonical Notch ligand 1; minus strand). Cytogenetic location: 20p12.2.
Variant type: single nucleotide variant.
Coding change: c.578G>T on transcript NM_000214.3 (MANE Select); coding-DNA position 578, G replaced by T.
Protein change: p.Gly193Val; replaces glycine 193 with valine.
Molecular consequence: missense variant.
Genome position (GRCh38, 1-based): chr20:10,658,584, C>A on the plus strand (G>T on the coding strand, the complement: JAG1 is on the minus strand). VCF-style: chr20-10658584-C-A. GRCh37 (hg19) VCF-style: chr20-10639232-C-A.
Other names: short protein forms G193V.
Identifiers: ClinVar variation 3573068 (VCV003573068.2).

Conditions:
Arteriohepatic dysplasia. Also called: Alagille Syndrome. Identifiers: Orphanet 52, MedGen C0085280, MeSH D016738, MONDO:0007318.

Submission:

Gilbert/Spinner Lab, Children's Hospital of Philadelphia
No classification provided (evidence only). Condition: Alagille syndrome. Review status: no classification provided. Collection method: research. Allele origin: not applicable. Functional consequence: functionally_abnormal.
ClinVar note: "not provided" was previously submitted as the classification for the variant. However, the classification appeared to be based only on an observation of functional data so it was converted to no classification on 2025-07-30.